The following is an entry in ClinVar:

ClinVar aggregate classification (germline): Uncertain significance (1 of 4 stars; one submission).

Conditions:
Alstrom syndrome (ALMS). Identifiers: Orphanet 64, MedGen C0268425, MONDO:0008763, OMIM 203800.

gnomAD v4.1: 3 of 1,556,168 alleles (0.00019%); highest among the groups gnomAD compares: Admixed American, 0.0058%; no homozygotes.

Submission:

Labcorp Genetics (formerly Invitae), Labcorp
Classification: Uncertain significance for Alstrom syndrome. Last evaluated: 2022-02-26. Review status: criteria provided, single submitter. Criteria: Invitae Variant Classification Sherloc (09022015). Collection method: clinical testing. Allele origin: germline.
Comment: This sequence change replaces glutamine, which is neutral and polar, with lysine, which is basic and polar, at codon 96 of the ALMS1 protein (p.Gln96Lys). This variant is present in population databases (no rsID available, gnomAD 0.01%). This variant has not been reported in the literature in individuals affected with ALMS1-related conditions. Experimental studies and prediction algorithms are not available or were not evaluated, and the functional significance of this variant is currently unknown. In summary, the available evidence is currently insufficient to determine the role of this variant in disease. Therefore, it has been classified as a Variant of Uncertain Significance.

NM_001378454.1(ALMS1):c.283C>A (p.Gln95Lys)

Gene: ALMS1 (ALMS1 centrosome and basal body associated protein; plus strand). Cytogenetic location: 2p13.1.
Variant type: single nucleotide variant.
Coding change: c.283C>A on transcript NM_001378454.1 (MANE Select); coding-DNA position 283, C replaced by A.
Protein change: p.Gln95Lys; replaces glutamine 95 with lysine.
Molecular consequence: missense variant.
Genome position (GRCh38, 1-based): chr2:73,386,151, C>A. VCF-style: chr2-73386151-C-A. GRCh37 (hg19) VCF-style: chr2-73613279-C-A.
Other names: c.286C>A, p.Gln96Lys (NM_015120.4); short protein forms Q95K, Q96K.
Identifiers: ClinVar variation 2160669 (VCV002160669.1), dbSNP rs750326619, ClinGen allele CA347250986.